The following is an entry in ClinVar:

NM_001754.5(RUNX1):c.1389C>T (p.Pro463=)

Gene: RUNX1 (RUNX family transcription factor 1; minus strand). Cytogenetic location: 21q22.12.
Variant type: single nucleotide variant.
Coding change: c.1389C>T on transcript NM_001754.5 (MANE Select); coding-DNA position 1389, C replaced by T.
Protein change: p.Pro463=; no amino-acid change (proline 463 retained).
Molecular consequence: synonymous variant.
Genome position (GRCh38, 1-based): chr21:34,792,189, G>A on the plus strand (C>T on the coding strand, the complement: RUNX1 is on the minus strand). VCF-style: chr21-34792189-G-A. GRCh37 (hg19) VCF-style: chr21-36164486-G-A.
Other names: NM_001754.5(RUNX1):c.1389C>T; p.Pro463=; c.1308C>T, p.Pro436= (NM_001001890.3).
Identifiers: ClinVar variation 2752334 (VCV002752334.4), dbSNP rs61750222, ClinGen allele CA512232133.
Genomic context (GRCh38, chr21:34,792,189, plus strand): 5'-GGCGCCTCAGTAGGGCCTCCACACGGCCTCCTCCAGGCGCGCGGAGGGCGCCATGTTGGT[G>A]GGGGAGTTGCTGTGGCTGCCCTCGGCCTCCACCACGTCGCTCTGGTTCGGGAGGCTGGGG-3'
Protein context (NP_001745.2, residues 453-473): VEAEGSHSNS[Pro463=]TNMAPSARLE

ClinVar aggregate classification (germline): Uncertain significance. Review status: reviewed by expert panel (3 of 4 stars). 2 submissions from 2 submitters: Uncertain significance (1). 1 of the submissions does not count toward it. Last evaluated 2024-10-29.

Conditions:
Hereditary thrombocytopenia and hematological cancer predisposition syndrome associated with RUNX1. Also called: Familial Platelet Disorder with Propensity to Acute Myelogenous Leukemia; Familial thrombocytopenia with propensity to acute myelogenous leukemia; PLATELET DISORDER, ASPIRIN-LIKE; RUNX1 Familial Platelet Disorder with Associated Myeloid Malignancies. Identifiers: Orphanet 71290, MedGen C1832388, MeSH C563324, MONDO:0100083, OMIM 601399.
Hereditary thrombocytopenia and hematologic cancer predisposition syndrome. Identifiers: Orphanet 71290, MedGen CN281654, MONDO:0011071.

Allele frequency attached by ClinVar (database versions not stated): 1000 Genomes Project 30x 0.00016.

Submissions (2):

ClinGen Myeloid Malignancy Variant Curation Expert Panel
Classification: Uncertain significance for Hereditary thrombocytopenia and hematologic cancer predisposition syndrome. Last evaluated: 2024-10-29. Review status: reviewed by expert panel. Criteria: ClinGen MyeloMalig ACMG Specifications v2. Collection method: curation. Allele origin: germline. Inheritance: Autosomal dominant inheritance.
Comment: NM_001754.5(RUNX1):c.1389C>T (p.Pro463=) is a synonymous variant which has been reported in two probands meeting at least one of the RUNX1-phenotypic criteria (PS4_Moderate; PMID: 27106701). This synonymous variant has a SpliceAI score ≤ 0.20 (0.0) (BP4). This variant has a SpliceAI score ≤ 0.20 (0.0) and evolutionary conservation prediction algorithms predict the site as not being conserved (PhyloP score ≤ 2.0 (-0.50) (BP7). This variant is completely absent from all population databases with at least 20x coverage for RUNX1 (PM2_Supporting). In summary, the clinical significance of this variant is uncertain. ACMG/AMP criteria applied, as specified by the Myeloid Malignancy Variant Curation Expert Panel for RUNX1: PS4_moderate, BP4, BP7, PM2_supporting.

Labcorp Genetics (formerly Invitae), Labcorp
Classification: Likely benign for Hereditary thrombocytopenia and hematological cancer predisposition syndrome associated with RUNX1. Last evaluated: 2023-08-21. Review status: criteria provided, single submitter. Criteria: Invitae Variant Classification Sherloc (09022015). Collection method: clinical testing. Allele origin: germline. Not counted in ClinVar's aggregate classification.